The following is an entry in ClinVar:

ClinVar aggregate classification (germline): Uncertain significance (1 of 4 stars; one submission).

gnomAD v4.1: 8 of 1,547,506 alleles (0.00052%); highest among the groups gnomAD compares: Middle Eastern, 0.017%; no homozygotes.

Submission:

Labcorp Genetics (formerly Invitae), Labcorp
Classification: Uncertain significance. Last evaluated: 2025-12-16. Review status: criteria provided, single submitter. Criteria: Invitae Variant Classification Sherloc (09022015). Collection method: clinical testing. Allele origin: germline.
Comment: This sequence change replaces proline, which is neutral and non-polar, with leucine, which is neutral and non-polar, at codon 398 of the ARHGEF1 protein (p.Pro398Leu). This variant is present in population databases (no rsID available, gnomAD 0.007%). This variant has not been reported in the literature in individuals affected with ARHGEF1-related conditions. An algorithm developed to predict the effect of missense changes on protein structure and function (PolyPhen-2) suggests that this variant is likely to be disruptive. In summary, the available evidence is currently insufficient to determine the role of this variant in disease. Therefore, it has been classified as a Variant of Uncertain Significance.

NM_004706.4(ARHGEF1):c.1148C>T (p.Pro383Leu)

Gene: ARHGEF1 (Rho guanine nucleotide exchange factor 1; plus strand). Cytogenetic location: 19q13.2.
Variant type: single nucleotide variant.
Coding change: c.1148C>T on transcript NM_004706.4 (MANE Select); coding-DNA position 1148, C replaced by T.
Protein change: p.Pro383Leu; replaces proline 383 with leucine.
Molecular consequence: missense variant. On other transcripts: non-coding transcript variant (2).
Genome position (GRCh38, 1-based): chr19:41,898,468, C>T. VCF-style: chr19-41898468-C-T. GRCh37 (hg19) VCF-style: chr19-42402617-C-T.
Other names: c.1316C>T, p.Pro439Leu (NM_001396000.1); c.1049C>T, p.Pro350Leu (NM_001396002.1, NM_001396004.1, NM_198977.2); c.1148C>T, p.Pro383Leu (NM_001396003.1, NM_001396006.1); c.1193C>T, p.Pro398Leu (NM_199002.2); short protein forms P350L, P439L, P398L, P383L.
Identifiers: ClinVar variation 4761187 (VCV004761187.1).